The following is an entry in ClinVar:

NM_006269.2(RP1):c.2371A>T (p.Lys791Ter)

Gene: RP1 (RP1 axonemal microtubule associated; plus strand). Cytogenetic location: 8q12.1.
Variant type: single nucleotide variant.
Coding change: c.2371A>T on transcript NM_006269.2 (MANE Select); coding-DNA position 2371, A replaced by T.
Protein change: p.Lys791Ter; replaces lysine 791 with a stop codon.
Molecular consequence: nonsense. On other transcripts: intron variant (1).
Genome position (GRCh38, 1-based): chr8:54,626,253, A>T. VCF-style: chr8-54626253-A-T. GRCh37 (hg19) VCF-style: chr8-55538813-A-T.
Other names: c.787+3965A>T (NM_001375654.1); short protein forms K791*.
Identifiers: ClinVar variation 4731118 (VCV004731118.1).

ClinVar aggregate classification (germline): Pathogenic (1 of 4 stars; one submission).

Submission:

Labcorp Genetics (formerly Invitae), Labcorp
Classification: Pathogenic. Last evaluated: 2026-01-09. Review status: criteria provided, single submitter. Criteria: Invitae Variant Classification Sherloc (09022015). Collection method: clinical testing. Allele origin: germline.
Comment: This sequence change creates a premature translational stop signal (p.Lys791*) in the RP1 gene. While this is not anticipated to result in nonsense mediated decay, it is expected to disrupt the last 1366 amino acid(s) of the RP1 protein. This variant is not present in population databases (gnomAD no frequency). This variant has not been reported in the literature in individuals affected with RP1-related conditions. This variant disrupts the C-terminus of the RP1 protein. Many variants that disrupt this region have been reported in individuals with either autosomal dominant or autosomal recessive retinitis pigmentosa (PMID: 11527933, 19933189, 29425069, 30027431, 33681214). Therefore, variants that disrupt this region are expected to be disease-causing. This variant disrupts a region of the RP1 protein in which other variant(s) (p.Ile2061Serfs*12) have been determined to be pathogenic (PMID: 29425069, 30027431). This suggests that this is a clinically significant region of the protein, and that variants that disrupt it are likely to be disease-causing. For these reasons, this variant has been classified as Pathogenic.

Literature cited by the submitters: PubMed 11527933; PubMed 19933189; PubMed 29425069; PubMed 30027431; PubMed 33681214.